The following is an entry in ClinVar:

ClinVar aggregate classification (germline): Pathogenic. Review status: criteria provided, multiple submitters, no conflicts (2 of 4 stars). 2 submissions from 2 submitters: Pathogenic (2). Last evaluated 2020-09-01.

Conditions:
Diamond-Blackfan anemia. Also called: Blackfan Diamond syndrome; Aregenerative anemia chronic congenital; Red cell aplasia, pure hereditary; Congenital hypoplastic anemia; Aase syndrome. Identifiers: Orphanet 124, MedGen C1260899, MeSH D029503, MONDO:0015253, HP:0004810.
GATA binding protein 1 related thrombocytopenia with dyserythropoiesis. Also called: GATA1-Related X-Linked Cytopenia; GATA1-Related Cytopenia. Identifiers: MedGen C1845837, MONDO:0100089.
Acute megakaryoblastic leukemia in down syndrome. Identifiers: Orphanet 99887, MedGen C5925108, MONDO:0020526.

Submissions (2):

Genomic Diagnostic Laboratory, Division of Genomic Diagnostics, Children's Hospital of Philadelphia
Classification: Pathogenic for Acute megakaryoblastic leukemia in down syndrome. Last evaluated: 2020-09-01. Review status: criteria provided, single submitter. Criteria: AMP Guidelines, 2017. Collection method: clinical testing. Allele origin: somatic. Affected: yes. Observed: 1 variant allele.

Labcorp Genetics (formerly Invitae), Labcorp
Classification: Pathogenic for GATA binding protein 1 related thrombocytopenia with dyserythropoiesis; Diamond-Blackfan anemia. Last evaluated: 2020-08-01. Review status: criteria provided, single submitter. Criteria: Invitae Variant Classification Sherloc (09022015). Collection method: clinical testing. Allele origin: germline.
Comment: This variant has not been reported in the literature in individuals with GATA1-related conditions. ClinVar contains an entry for this variant (Variation ID: 465134). For these reasons, this variant has been classified as Pathogenic. Loss-of-function variants in GATA1 are known to be pathogenic (PMID: 16783379, 22706301, 23704091, 24453067). This variant is not present in population databases (ExAC no frequency). This sequence change creates a premature translational stop signal (p.Ser30*) in the GATA1 gene. It is expected to result in an absent or disrupted protein product.

Literature cited by the submitters: PubMed 16783379 (cited by Labcorp Genetics (formerly Invitae), Labcorp); PubMed 22706301 (cited by Labcorp Genetics (formerly Invitae), Labcorp); PubMed 23704091 (cited by Labcorp Genetics (formerly Invitae), Labcorp); PubMed 24453067 (cited by Labcorp Genetics (formerly Invitae), Labcorp).

NM_002049.4(GATA1):c.89C>G (p.Ser30Ter)

Gene: GATA1 (GATA binding protein 1; plus strand). Cytogenetic location: Xp11.23.
Variant type: single nucleotide variant.
Coding change: c.89C>G on transcript NM_002049.4 (MANE Select); coding-DNA position 89, C replaced by G.
Protein change: p.Ser30Ter; replaces serine 30 with a stop codon.
Molecular consequence: nonsense.
Genome position (GRCh38, 1-based): chrX:48,791,198, C>G. VCF-style: chrX-48791198-C-G. GRCh37 (hg19) VCF-style: chrX-48649605-C-G.
Other names: short protein forms S30*.
Identifiers: ClinVar variation 465134 (VCV000465134.9), dbSNP rs1557020021, ClinGen allele CA412866876.